The following is an entry in ClinVar:

NM_001130438.3(SPTAN1):c.6576+94_6576+95insAA

Gene: SPTAN1 (spectrin alpha, non-erythrocytic 1; plus strand). Cytogenetic location: 9q34.11.
Variant type: Insertion.
Coding change: c.6576+94_6576+95insAA on transcript NM_001130438.3 (MANE Select); bases 94 to 95 of the intron after coding-DNA position 6576, AA inserted.
Molecular consequence: intron variant.
Genome position: GRCh38 VCF-style: chr9-128626781-C-CAA. GRCh37 (hg19) VCF-style: chr9-131389060-C-CAA.
Other names: c.6612+94_6612+95insAA (NM_001375318.1, NM_001375312.2); c.6576+94_6576+95insAA (NM_001375311.2, NM_001375310.1, NM_001363759.2 and 1 more transcripts); c.6516+94_6516+95insAA (NM_001375314.2, NM_001363765.2); c.6561+94_6561+95insAA (NM_003127.4); c.6501+94_6501+95insAA (NM_001195532.2).
Identifiers: ClinVar variation 1228578 (VCV001228578.5), dbSNP rs10694437, ClinGen allele CA200407737.
Genomic context (GRCh38, chr9:128,626,781, plus strand): 5'-CCTCCCAGAGCCCTCTCTGGGCCCTGCTCAGAGCCCACACTTAACTGAGTCACGACAAGA[C>CAA]GAGCAGGATGGAGGAGCATGGTTTCATCAGAAGTTTCATTTCTTTTTGTGTTCTTGAGGC-3'

ClinVar aggregate classification (germline): Benign. Review status: criteria provided, multiple submitters, no conflicts (2 of 4 stars). 2 submissions from 2 submitters: Benign (2). Last evaluated 2024-07-15.

Allele frequency attached by ClinVar (database versions not stated): 1000 Genomes Project 30x 0.99188; gnomAD 0.99191 and 0.99250; 1000 Genomes Project 0.99281; gnomAD exomes 0.99934.

Submissions (2):

Unidad de Genómica Garrahan, Hospital de Pediatría Garrahan
Classification: Benign. Last evaluated: 2024-07-15. Review status: criteria provided, single submitter. Criteria: ACMG Guidelines, 2015. Collection method: clinical testing. Allele origin: germline. Affected: no. Observed: 74 variant alleles.
Comment: This variant is classified as Benign based on local population frequency. This variant was detected in 80% of patients studied in a panel designed for Epileptic and Developmental Encephalopathy and Progressive Myoclonus Epilepsy. Number of patients: 74. Only high quality variants are reported.

GeneDx
Classification: Benign. Last evaluated: 2019-11-14. Review status: criteria provided, single submitter. Criteria: GeneDx Variant Classification Process June 2021. Collection method: clinical testing. Allele origin: germline. Affected: yes.